The following is an entry in ClinVar:

ClinVar aggregate classification (germline): Uncertain significance (1 of 4 stars; one submission).

Conditions:
Congenital myasthenic syndrome 13 (CMS13). Also called: Myasthenic syndrome, congenital, 13, with tubular aggregates; Myasthenic syndrome, congenital, with tubular aggregates 2. Identifiers: Orphanet 353327, Orphanet 590, MedGen C3553645, MONDO:0013883, OMIM 614750.
DPAGT1-congenital disorder of glycosylation. Also called: DPAGT1-CDG; CONGENITAL DISORDER OF GLYCOSYLATION, TYPE Ij; CDG Ij. Identifiers: Orphanet 86309, MedGen C2931004, MONDO:0011964, OMIM 608093.

Allele frequency attached by ClinVar (database versions not stated): gnomAD exomes below 0.00001.
gnomAD v4.1: 8 of 1,614,188 alleles (0.0005%); highest among the groups gnomAD compares: Non-Finnish European, 0.00051%; no homozygotes.

Submission:

Labcorp Genetics (formerly Invitae), Labcorp
Classification: Uncertain significance for Congenital myasthenic syndrome 13; DPAGT1-congenital disorder of glycosylation. Last evaluated: 2021-09-02. Review status: criteria provided, single submitter. Criteria: Invitae Variant Classification Sherloc (09022015). Collection method: clinical testing. Allele origin: germline.
Comment: In summary, the available evidence is currently insufficient to determine the role of this variant in disease. Therefore, it has been classified as a Variant of Uncertain Significance. Algorithms developed to predict the effect of missense changes on protein structure and function are either unavailable or do not agree on the potential impact of this missense change (SIFT: "Deleterious"; PolyPhen-2: "Probably Damaging"; Align-GVGD: "Class C0"). This variant has not been reported in the literature in individuals affected with DPAGT1-related conditions. This variant is not present in population databases (ExAC no frequency). This sequence change replaces glycine with valine at codon 192 of the DPAGT1 protein (p.Gly192Val). The glycine residue is highly conserved and there is a moderate physicochemical difference between glycine and valine.

NM_001382.4(DPAGT1):c.575G>T (p.Gly192Val)

Gene: DPAGT1 (dolichyl-phosphate N-acetylglucosaminephosphotransferase 1; minus strand). Cytogenetic location: 11q23.3.
Variant type: single nucleotide variant.
Coding change: c.575G>T on transcript NM_001382.4 (MANE Select); coding-DNA position 575, G replaced by T.
Protein change: p.Gly192Val; replaces glycine 192 with valine.
Molecular consequence: missense variant.
Genome position (GRCh38, 1-based): chr11:119,100,330, C>A on the plus strand (G>T on the coding strand, the complement: DPAGT1 is on the minus strand). VCF-style: chr11-119100330-C-A. GRCh37 (hg19) VCF-style: chr11-118971040-C-A.
Other names: short protein forms G192V.
Identifiers: ClinVar variation 1478844 (VCV001478844.5), dbSNP rs2134911057, ClinGen allele CA382914351.